The following is an entry in ClinVar:

NM_182961.4(SYNE1):c.8937G>C (p.Trp2979Cys)

Genes: SYNE1 (spectrin repeat containing nuclear envelope protein 1; minus strand), SYNE1-AS1 (SYNE1 antisense RNA 1; plus strand). Cytogenetic location: 6q25.2.
Variant type: single nucleotide variant.
Coding change: c.8937G>C on transcript NM_182961.4 (MANE Select); coding-DNA position 8937, G replaced by C.
Protein change: p.Trp2979Cys; replaces tryptophan 2979 with cysteine.
Molecular consequence: missense variant. On other transcripts: non-coding transcript variant (1).
Genome position (GRCh38, 1-based): chr6:152,381,078, C>G on the plus strand (G>C on the coding strand, the complement: SYNE1 is on the minus strand). VCF-style: chr6-152381078-C-G. GRCh37 (hg19) VCF-style: chr6-152702213-C-G.
Other names: c.8958G>C (NM_033071.3); c.8958G>C, p.Trp2986Cys (NM_033071.5); short protein forms W2979C, W2986C.
Identifiers: ClinVar variation 1401011 (VCV001401011.10), dbSNP rs760074927, ClinGen allele CA4057436.

ClinVar aggregate classification (germline): Uncertain significance. Review status: criteria provided, multiple submitters, no conflicts (2 of 4 stars). 2 submissions from 2 submitters: Uncertain significance (2). Last evaluated 2025-10-01.

Conditions:
Emery-Dreifuss muscular dystrophy 4, autosomal dominant (EDMD4). Also called: EMERY-DREIFUSS MUSCULAR DYSTROPHY 4 WITH VARIABLE FEATURES. Identifiers: Orphanet 261, MedGen C2751807, MONDO:0013071, OMIM 612998.
Autosomal recessive ataxia, Beauce type. Also called: SYNE1-Related Autosomal Recessive Cerebellar Ataxia; Spinocerebellar ataxia, autosomal recessive 8; ATAXIA, RECESSIVE, OF BEAUCE; SYNE1 Deficiency. Identifiers: Orphanet 88644, MedGen C1853116, MONDO:0012549, OMIM 610743.

Allele frequency attached by ClinVar (database versions not stated): gnomAD exomes below 0.00001 and 0.00002; ExAC 0.00001; gnomAD 0.00001.
gnomAD v4.1: 9 of 1,614,006 alleles (0.00056%); highest among the groups gnomAD compares: Non-Finnish European, 0.00059%; no homozygotes.

Submissions (2):

Labcorp Genetics (formerly Invitae), Labcorp
Classification: Uncertain significance for Emery-Dreifuss muscular dystrophy 4, autosomal dominant; Autosomal recessive ataxia, Beauce type. Last evaluated: 2025-10-01. Review status: criteria provided, single submitter. Criteria: Invitae Variant Classification Sherloc (09022015). Collection method: clinical testing. Allele origin: germline.
Comment: This sequence change replaces tryptophan, which is neutral and slightly polar, with cysteine, which is neutral and slightly polar, at codon 2986 of the SYNE1 protein (p.Trp2986Cys). This variant is present in population databases (rs760074927, gnomAD 0.003%). This variant has not been reported in the literature in individuals affected with SYNE1-related conditions. ClinVar contains an entry for this variant (Variation ID: 1401011). An algorithm developed to predict the effect of missense changes on protein structure and function outputs the following: PolyPhen-2: "Benign". The cysteine amino acid residue is found in multiple mammalian species, which suggests that this missense change does not adversely affect protein function. In summary, the available evidence is currently insufficient to determine the role of this variant in disease. Therefore, it has been classified as a Variant of Uncertain Significance.

Revvity Omics, Revvity
Classification: Uncertain significance. Last evaluated: 2020-04-14. Review status: criteria provided, single submitter. Criteria: ACMG Guidelines, 2015. Collection method: clinical testing. Allele origin: germline.